The following is an entry in ClinVar:

NM_001323289.2(CDKL5):c.255dup (p.Tyr86fs)

Gene: CDKL5 (cyclin dependent kinase like 5; plus strand). Cytogenetic location: Xp22.13.
Variant type: Duplication.
Coding change: c.255dup on transcript NM_001323289.2 (MANE Select); coding-DNA position 255, one base duplicated (G; older notation c.255dupG).
Protein change: p.Tyr86fs; shifts the reading frame from tyrosine 86.
Molecular consequence: frameshift variant.
Genome position (GRCh38, 1-based): chrX:18,575,463, G duplicated. VCF-style (leftmost placement, unchanged base first): chrX-18575462-T-TG. GRCh37 (hg19) VCF-style: chrX-18593582-T-TG.
Other names: NM_003159.3:c.255dup; c.255dup, p.Tyr86fs (NM_001037343.2, NM_003159.3); short protein forms Y86fs.
Identifiers: ClinVar variation 3602052 (VCV003602052.1).
Genomic context (GRCh38, chrX:18,575,462, plus strand): 5'-GGACTCTCAAGCAGGAAAACATTGTGGAGTTGAAGGAAGCATTTCGTCGGAGGGGAAAGT[T>TG]GTACTTGGTGTTTGAGTATGTTGAAAAAGTAAGTCATTAATTGCCAATGTGCACATTTGC-3'

ClinVar aggregate classification (germline): Likely pathogenic (1 of 4 stars; one submission).

Conditions:
Rett syndrome (RTT). Also called: AUTISM, DEMENTIA, ATAXIA, AND LOSS OF PURPOSEFUL HAND USE; Rett's disorder. Identifiers: Orphanet 3095, Orphanet 778, MedGen C0035372, MONDO:0010726, OMIM 312750.

Submission:

Centre for Population Genomics, CPG
Classification: Likely pathogenic for Rett syndrome. Last evaluated: 2024-12-30. Review status: criteria provided, single submitter. Criteria: McKnight et al. (Hum Mutat. 2022). Collection method: curation. Allele origin: germline. Inheritance: X-linked inheritance.
Comment: Based on the classification scheme defined by the ClinGen Rett/Angelman-like Expert Panel for Rett/AS-like Disorders Specifications to the ACMG/AMP Variant Interpretation Guidelines VCEP 3.0, this variant is classified as likely pathogenic. At least the following criteria are met: Predicted to result in loss of function, and LOF is a known mechanism of disease (PVS1). This variant is absent from gnomAD (PM2_Supporting).